The following is an entry in ClinVar:

ClinVar aggregate classification (germline): Uncertain significance (1 of 4 stars; one submission).

Conditions:
Charcot-Marie-Tooth disease type 4. Also called: Charcot-Marie-Tooth, Type 4; Charcot-Marie-Tooth disease, type IV. Identifiers: Orphanet 64749, MedGen C4082197, MONDO:0018995.

Submission:

Labcorp Genetics (formerly Invitae), Labcorp
Classification: Uncertain significance for Charcot-Marie-Tooth disease type 4. Last evaluated: 2024-12-07. Review status: criteria provided, single submitter. Criteria: Invitae Variant Classification Sherloc (09022015). Collection method: clinical testing. Allele origin: germline.
Comment: This sequence change replaces glycine, which is neutral and non-polar, with arginine, which is basic and polar, at codon 1392 of the PRX protein (p.Gly1392Arg). This variant is present in population databases (rs750814264, gnomAD 0.001%). This variant has not been reported in the literature in individuals affected with PRX-related conditions. Invitae Evidence Modeling of protein sequence and biophysical properties (such as structural, functional, and spatial information, amino acid conservation, physicochemical variation, residue mobility, and thermodynamic stability) has been performed for this missense variant. However, the output from this modeling did not meet the statistical confidence thresholds required to predict the impact of this variant on PRX protein function. In summary, the available evidence is currently insufficient to determine the role of this variant in disease. Therefore, it has been classified as a Variant of Uncertain Significance.

NM_181882.3(PRX):c.4174G>A (p.Gly1392Arg)

Gene: PRX (periaxin; minus strand). Cytogenetic location: 19q13.2.
Variant type: single nucleotide variant.
Coding change: c.4174G>A on transcript NM_181882.3 (MANE Select); coding-DNA position 4174, G replaced by A.
Protein change: p.Gly1392Arg; replaces glycine 1392 with arginine.
Molecular consequence: missense variant. On other transcripts: 3 prime UTR variant (1).
Genome position (GRCh38, 1-based): chr19:40,394,178, C>T on the plus strand (G>A on the coding strand, the complement: PRX is on the minus strand). VCF-style: chr19-40394178-C-T. GRCh37 (hg19) VCF-style: chr19-40900085-C-T.
Other names: c.4459G>A, p.Gly1487Arg (NM_001411127.1); c.*4379G>A (NM_020956.2); short protein forms G1392R, G1487R.
Identifiers: ClinVar variation 3713736 (VCV003713736.2).